The following is an entry in ClinVar:

ClinVar aggregate classification (germline): Pathogenic/Likely pathogenic. Review status: criteria provided, multiple submitters, no conflicts (2 of 4 stars). 5 submissions from 5 submitters: Pathogenic (4); Likely pathogenic (1). Last evaluated 2024-01-05.

Conditions:
Retinal dystrophy. Also called: Inherited retinal dystrophy. Identifiers: Orphanet 71862, MedGen C0854723, MeSH D058499, MONDO:0019118, HP:0000556.
Retinitis pigmentosa 25 (RP25). Identifiers: Orphanet 791, MedGen C1864446, MONDO:0011272, OMIM 602772.
Retinal disorder. Also called: Retinopathy; Retinal disorders; Retinopathies; Retinal Diseases. Identifiers: MedGen C0035309, MONDO:0005283, HP:0000488.

Submissions (5):

Fulgent Genetics
Classification: Likely pathogenic for Retinitis pigmentosa 25. Last evaluated: 2024-01-05. Review status: criteria provided, single submitter. Criteria: ACMG Guidelines, 2015. Collection method: clinical testing. Allele origin: germline.

Dept Of Ophthalmology, Nagoya University
Classification: Pathogenic for Retinal dystrophy. Last evaluated: 2023-10-01. Review status: criteria provided, single submitter. Criteria: Submitter's publication. Collection method: research. Allele origin: germline. Affected: yes.

Baylor Genetics
Classification: Pathogenic for Retinitis pigmentosa 25. Last evaluated: 2023-03-19. Review status: criteria provided, single submitter. Criteria: ACMG Guidelines, 2015. Collection method: clinical testing. Allele origin: unknown.

Labcorp Genetics (formerly Invitae), Labcorp
Classification: Pathogenic. Last evaluated: 2022-11-08. Review status: criteria provided, single submitter. Criteria: Invitae Variant Classification Sherloc (09022015). Collection method: clinical testing. Allele origin: germline.
Comment: This variant is present in population databases (rs768092887, gnomAD 0.002%). This premature translational stop signal has been observed in individual(s) with EYS-related conditions (PMID: 26161267). ClinVar contains an entry for this variant (Variation ID: 1456826). For these reasons, this variant has been classified as Pathogenic. This sequence change creates a premature translational stop signal (p.Ala1520Profs*30) in the EYS gene. It is expected to result in an absent or disrupted protein product. Loss-of-function variants in EYS are known to be pathogenic (PMID: 18836446, 20333770).

AURAGEN, Plan France Médecine Génomique
Classification: Pathogenic for Retinal disorder. Last evaluated: 2022-07-07. Review status: criteria provided, single submitter. Criteria: PFMG2025 (Lancet Reg Health Eur. 2025). Collection method: clinical testing. Allele origin: germline. Affected: yes.

Literature cited by the submitters: PubMed 26161267 (cited by Labcorp Genetics (formerly Invitae), Labcorp); PubMed 18836446 (cited by Labcorp Genetics (formerly Invitae), Labcorp); PubMed 20333770 (cited by Labcorp Genetics (formerly Invitae), Labcorp).

NM_001142800.2(EYS):c.4557del (p.Ala1520fs)

Gene: EYS (EGF-like photoreceptor maintenance factor; minus strand). Cytogenetic location: 6q12.
Variant type: Deletion.
Coding change: c.4557del on transcript NM_001142800.2 (MANE Select); coding-DNA position 4557, one base deleted (A; older notation c.4557delA).
Protein change: p.Ala1520fs; shifts the reading frame from alanine 1520.
Molecular consequence: frameshift variant.
Genome position (GRCh38, 1-based): chr6:64,591,310, T deleted on the plus strand (A on the coding strand, the reverse complement: EYS is on the minus strand); the first of 4 consecutive T bases (chr6:64,591,310-64,591,313); deleting any one gives the same sequence. VCF-style (leftmost placement, unchanged base first): chr6-64591309-CT-C. GRCh37 (hg19) VCF-style: chr6-65301202-CT-C.
Other names: c.4557del, p.Ala1520fs (NM_001292009.2); c.4557delA (NM_001142800.2); short protein forms A1520fs.
Identifiers: ClinVar variation 1456826 (VCV001456826.12), dbSNP rs768092887, ClinGen allele CA3877070.